The following is an entry in ClinVar:

NM_002470.4(MYH3):c.1960-11T>A

Gene: MYH3 (myosin heavy chain 3; minus strand). Cytogenetic location: 17p13.1.
Variant type: single nucleotide variant.
Coding change: c.1960-11T>A on transcript NM_002470.4 (MANE Select); 11 bases into the intron before coding-DNA position 1960, T replaced by A.
Molecular consequence: intron variant.
Genome position (GRCh38, 1-based): chr17:10,641,383, A>T on the plus strand (T>A on the coding strand, the complement: MYH3 is on the minus strand). VCF-style: chr17-10641383-A-T. GRCh37 (hg19) VCF-style: chr17-10544700-A-T.
Identifiers: ClinVar variation 3060103 (VCV003060103.2), dbSNP rs1403747183, ClinGen allele CA725968693.

ClinVar aggregate classification (germline): Likely benign (0 of 4 stars; one submission).

Conditions:
MYH3-related disorder. Also called: MYH3-Related Disorders; MYH3-related condition. Identifiers: MedGen CN239329.

Allele frequency attached by ClinVar (database versions not stated): gnomAD exomes below 0.00001; gnomAD 0.00001; TOPMed 0.00001.
gnomAD v4.1: 3 of 1,587,256 alleles (0.00019%); highest among the groups gnomAD compares: African/African-American, 0.0027%; no homozygotes.

Submission:

PreventionGenetics, part of Exact Sciences
Classification: Likely benign for MYH3-related condition. Last evaluated: 2021-10-18. Review status: no assertion criteria provided. Collection method: clinical testing. Allele origin: germline.
Comment: This variant is classified as likely benign based on ACMG/AMP sequence variant interpretation guidelines (Richards et al. 2015 PMID: 25741868, with internal and published modifications).